The following is an entry in ClinVar:

NM_001191057.4(PDE1C):c.334C>T (p.Arg112Trp)

Gene: PDE1C (phosphodiesterase 1C; minus strand). Cytogenetic location: 7p14.3.
Variant type: single nucleotide variant.
Coding change: c.334C>T on transcript NM_001191057.4 (MANE Select); coding-DNA position 334, C replaced by T.
Protein change: p.Arg112Trp; replaces arginine 112 with tryptophan.
Molecular consequence: missense variant.
Genome position (GRCh38, 1-based): chr7:31,879,087, G>A on the plus strand (C>T on the coding strand, the complement: PDE1C is on the minus strand). VCF-style: chr7-31879087-G-A. GRCh37 (hg19) VCF-style: chr7-31918700-G-A.
Other names: c.334C>T, p.Arg112Trp (NM_001191056.3, NM_001191059.4, NM_001322055.2 and 3 more transcripts); c.514C>T, p.Arg172Trp (NM_001191058.4, NM_001322058.2); c.739C>T, p.Arg247Trp (NM_001322059.2); short protein forms R112W, R172W, R247W.
Identifiers: ClinVar variation 3353502 (VCV003353502.1).

ClinVar aggregate classification (germline): Uncertain significance (0 of 4 stars; one submission).

Conditions:
PDE1C-related disorder. Also called: PDE1C-related condition.

Submission:

PreventionGenetics, part of Exact Sciences
Classification: Uncertain significance for PDE1C-related condition. Last evaluated: 2024-05-15. Review status: no assertion criteria provided. Collection method: clinical testing. Allele origin: germline.
Comment: The PDE1C c.514C>T variant is predicted to result in the amino acid substitution p.Arg172Trp. To our knowledge, this variant has not been reported in the literature or in a large population database, indicating this variant is rare. At this time, the clinical significance of this variant is uncertain due to the absence of conclusive functional and genetic evidence.